The following is an entry in ClinVar:

ClinVar aggregate classification (germline): Uncertain significance (1 of 4 stars; one submission).

Allele frequency attached by ClinVar (database versions not stated): gnomAD exomes 0.00002 and 0.00005; TOPMed 0.00003; gnomAD 0.00004; ExAC 0.00005.
gnomAD v4.1: 34 of 1,612,784 alleles (0.0021%); highest among the groups gnomAD compares: Admixed American, 0.018%; no homozygotes.

Submission:

Labcorp Genetics (formerly Invitae), Labcorp
Classification: Uncertain significance. Last evaluated: 2021-09-04. Review status: criteria provided, single submitter. Criteria: Invitae Variant Classification Sherloc (09022015). Collection method: clinical testing. Allele origin: germline.
Comment: Algorithms developed to predict the effect of missense changes on protein structure and function (SIFT, PolyPhen-2, Align-GVGD) all suggest that this variant is likely to be disruptive. In summary, the available evidence is currently insufficient to determine the role of this variant in disease. Therefore, it has been classified as a Variant of Uncertain Significance. Algorithms developed to predict the effect of sequence changes on RNA splicing suggest that this variant may create or strengthen a splice site. This variant has not been reported in the literature in individuals affected with ERBB2-related conditions. This variant is present in population databases (rs771145294, ExAC 0.03%). This sequence change replaces glycine with serine at codon 603 of the ERBB2 protein (p.Gly603Ser). The glycine residue is highly conserved and there is a small physicochemical difference between glycine and serine.

NM_004448.4(ERBB2):c.1807G>A (p.Gly603Ser)

Gene: ERBB2 (erb-b2 receptor tyrosine kinase 2; plus strand). Cytogenetic location: 17q12.
Variant type: single nucleotide variant.
Coding change: c.1807G>A on transcript NM_004448.4 (MANE Select); coding-DNA position 1807, G replaced by A.
Protein change: p.Gly603Ser; replaces glycine 603 with serine.
Molecular consequence: missense variant. On other transcripts: non-coding transcript variant (1), intron variant (1).
Genome position (GRCh38, 1-based): chr17:39,717,389, G>A. VCF-style: chr17-39717389-G-A. GRCh37 (hg19) VCF-style: chr17-37873642-G-A.
Other names: c.1717G>A, p.Gly573Ser (NM_001005862.3, NM_001289938.2, NM_001382782.1 and 1 more transcripts); c.1762G>A, p.Gly588Ser (NM_001289936.2); c.1807G>A, p.Gly603Ser (NM_001289937.2, NM_001382792.1, NM_001382793.1 and 9 more transcripts); c.1924G>A, p.Gly642Ser (NM_001382784.1, NM_001382786.1); c.1909G>A, p.Gly637Ser (NM_001382785.1); c.1882G>A, p.Gly628Ser (NM_001382787.1); c.1837G>A, p.Gly613Ser (NM_001382788.1); c.1828G>A, p.Gly610Ser (NM_001382789.1); and 6 more; short protein forms G613S, G637S, G642S, G588S, G602S, G603S, G327S, G600S.
Identifiers: ClinVar variation 1425792 (VCV001425792.6), dbSNP rs771145294, ClinGen allele CA8534119.
Genomic context (GRCh38, chr17:39,717,389, plus strand): 5'-CAGTGTGTGGCCTGTGCCCACTATAAGGACCCTCCCTTCTGCGTGGCCCGCTGCCCCAGC[G>A]GTGTGAAACCTGACCTCTCCTACATGCCCATCTGGAAGTTTCCAGATGAGGAGGGCGCAT-3'
Protein context (NP_004439.2, residues 593-613): PPFCVARCPS[Gly603Ser]VKPDLSYMPI